The following is an entry in ClinVar:

NM_000038.6(APC):c.268A>C (p.Lys90Gln)

Gene: APC (APC regulator of Wnt signaling pathway; plus strand). Cytogenetic location: 5q22.2.
Variant type: single nucleotide variant.
Coding change: c.268A>C on transcript NM_000038.6 (MANE Select); coding-DNA position 268, A replaced by C.
Protein change: p.Lys90Gln; replaces lysine 90 with glutamine.
Molecular consequence: missense variant. On other transcripts: 5 prime UTR variant (1).
Genome position (GRCh38, 1-based): chr5:112,767,236, A>C. VCF-style: chr5-112767236-A-C. GRCh37 (hg19) VCF-style: chr5-112102933-A-C.
Other names: c.268A>C, p.Lys90Gln (NM_001127510.3, NM_001354895.2, NM_001354896.2 and 16 more transcripts); c.298A>C, p.Lys100Gln (NM_001127511.3, NM_001354897.2, NM_001354902.2 and 1 more transcripts); c.193A>C, p.Lys65Gln (NM_001354898.2, NM_001354904.2, NM_001407451.1); c.91A>C, p.Lys31Gln (NM_001354900.2, NM_001354901.2, NM_001354905.2 and 1 more transcripts); c.-768A>C (NM_001354906.2, NM_001407470.1, NM_001407471.1 and 1 more transcripts); short protein forms K90Q, K65Q, K100Q, K31Q.
Identifiers: ClinVar variation 2010749 (VCV002010749.4), dbSNP rs763184444, ClinGen allele CA16021922.

ClinVar aggregate classification (germline): Uncertain significance (1 of 4 stars; one submission).

Conditions:
Familial adenomatous polyposis 1 (FAP1). Also called: FAMILIAL ADENOMATOUS POLYPOSIS 1, ATTENUATED; POLYPOSIS, ADENOMATOUS INTESTINAL. Identifiers: MedGen C2713442, MONDO:0021056, OMIM 175100. Disease mechanism: loss of function.

Submission:

Labcorp Genetics (formerly Invitae), Labcorp
Classification: Uncertain significance for Familial adenomatous polyposis 1. Last evaluated: 2022-06-26. Review status: criteria provided, single submitter. Criteria: Invitae Variant Classification Sherloc (09022015). Collection method: clinical testing. Allele origin: germline.
Comment: In summary, the available evidence is currently insufficient to determine the role of this variant in disease. Therefore, it has been classified as a Variant of Uncertain Significance. Algorithms developed to predict the effect of missense changes on protein structure and function are either unavailable or do not agree on the potential impact of this missense change (SIFT: "Deleterious"; PolyPhen-2: "Probably Damaging"; Align-GVGD: "Class C0"). This variant has not been reported in the literature in individuals affected with APC-related conditions. This variant is not present in population databases (gnomAD no frequency). This sequence change replaces lysine, which is basic and polar, with glutamine, which is neutral and polar, at codon 90 of the APC protein (p.Lys90Gln).